The following is an entry in ClinVar:

NM_001127198.5(TMC6):c.617G>T (p.Arg206Ile)

Genes: TMC6 (transmembrane channel like 6; minus strand), LOC130061786 (ATAC-STARR-seq lymphoblastoid silent region 9039; plus strand). Cytogenetic location: 17q25.3.
Variant type: single nucleotide variant.
Coding change: c.617G>T on transcript NM_001127198.5 (MANE Select); coding-DNA position 617, G replaced by T.
Protein change: p.Arg206Ile; replaces arginine 206 with isoleucine.
Molecular consequence: missense variant.
Genome position (GRCh38, 1-based): chr17:78,124,905, C>A on the plus strand (G>T on the coding strand, the complement: TMC6 is on the minus strand). VCF-style: chr17-78124905-C-A. GRCh37 (hg19) VCF-style: chr17-76120986-C-A.
Other names: c.617G>T, p.Arg206Ile (NM_001321185.1, NM_001374593.1, NM_001374594.1 and 4 more transcripts); short protein forms R206I.
Identifiers: ClinVar variation 968636 (VCV000968636.1), dbSNP rs1328174766, ClinGen allele CA401233472.

ClinVar aggregate classification (germline): Uncertain significance (1 of 4 stars; one submission).

Conditions:
Epidermodysplasia verruciformis. Identifiers: Orphanet 302, MedGen C0014522, MONDO:0009176.

Allele frequency attached by ClinVar (database versions not stated): TOPMed below 0.00001.
gnomAD v4.1: 8 of 1,597,250 alleles (0.0005%); highest among the groups gnomAD compares: Non-Finnish European, 0.00068%; no homozygotes.

Submission:

Labcorp Genetics (formerly Invitae), Labcorp
Classification: Uncertain significance for Epidermodysplasia verruciformis. Last evaluated: 2019-10-25. Review status: criteria provided, single submitter. Criteria: Invitae Variant Classification Sherloc (09022015). Collection method: clinical testing. Allele origin: germline.
Comment: This sequence change replaces arginine with isoleucine at codon 206 of the TMC6 protein (p.Arg206Ile). The arginine residue is weakly conserved and there is a moderate physicochemical difference between arginine and isoleucine. This variant is not present in population databases (ExAC no frequency). This variant has not been reported in the literature in individuals with TMC6-related conditions. Algorithms developed to predict the effect of missense changes on protein structure and function (SIFT, PolyPhen-2, Align-GVGD) all suggest that this variant is likely to be tolerated, but these predictions have not been confirmed by published functional studies and their clinical significance is uncertain. In summary, the available evidence is currently insufficient to determine the role of this variant in disease. Therefore, it has been classified as a Variant of Uncertain Significance.